The following is an entry in ClinVar:

ClinVar aggregate classification (germline): Likely pathogenic (0 of 4 stars; one submission).

Conditions:
HPS3-related disorder. Also called: HPS3-related condition.

Submission:

PreventionGenetics, part of Exact Sciences
Classification: Likely pathogenic for HPS3-related condition. Last evaluated: 2024-01-16. Review status: no assertion criteria provided. Collection method: clinical testing. Allele origin: germline.
Comment: The HPS3 c.2245C>T variant is predicted to result in premature protein termination (p.Gln749*). To our knowledge, this variant has not been reported in the literature or in a large population database, indicating this variant is rare. Nonsense variants in HPS3 are expected to be pathogenic. This variant is interpreted as likely pathogenic.

NM_032383.5(HPS3):c.2245C>T (p.Gln749Ter)

Gene: HPS3 (HPS3 biogenesis of lysosomal organelles complex 2 subunit 1; plus strand). Cytogenetic location: 3q24.
Variant type: single nucleotide variant.
Coding change: c.2245C>T on transcript NM_032383.5 (MANE Select); coding-DNA position 2245, C replaced by T.
Protein change: p.Gln749Ter; replaces glutamine 749 with a stop codon.
Molecular consequence: nonsense.
Genome position (GRCh38, 1-based): chr3:149,162,286, C>T. VCF-style: chr3-149162286-C-T. GRCh37 (hg19) VCF-style: chr3-148880073-C-T.
Other names: c.1750C>T, p.Gln584Ter (NM_001308258.2); short protein forms Q584*, Q749*.
Identifiers: ClinVar variation 3033362 (VCV003033362.2), dbSNP rs2473120616, ClinGen allele CA354924117.
Genomic context (GRCh38, chr3:149,162,286, plus strand): 5'-CTTGCACTTCACTTGAAGGAAACTCAGCCTGGATTGCTTGTGGCTTCAGTTCTGGGCTTG[C>T]AGAAGAACAACAAAATTGGAATTGAAGAAGCAGATTCCTTTTTTAAGGTTTGTCACTTTG-3'